The following is an entry in ClinVar:

NM_000312.4(PROC):c.164T>C (p.Leu55Pro)

Gene: PROC (protein C, inactivator of coagulation factors Va and VIIIa; plus strand). Cytogenetic location: 2q14.3.
Variant type: single nucleotide variant.
Coding change: c.164T>C on transcript NM_000312.4 (MANE Select); coding-DNA position 164, T replaced by C.
Protein change: p.Leu55Pro; replaces leucine 55 with proline.
Molecular consequence: missense variant.
Genome position (GRCh38, 1-based): chr2:127,421,376, T>C. VCF-style: chr2-127421376-T-C. GRCh37 (hg19) VCF-style: chr2-128178952-T-C.
Other names: c.347T>C, p.Leu116Pro (NM_001375602.1); c.227T>C, p.Leu76Pro (NM_001375603.1, NM_001375604.1, NM_001375606.1); c.164T>C, p.Leu55Pro (NM_001375605.1, NM_001375608.1, NM_001375611.1 and 1 more transcripts); c.248T>C, p.Leu83Pro (NM_001375607.1); c.140T>C, p.Leu47Pro (NM_001375609.1); c.158T>C, p.Leu53Pro (NM_001375610.1); short protein forms L53P, L47P, L55P, L116P, L76P, L83P.
Identifiers: ClinVar variation 2201821 (VCV002201821.4), dbSNP rs2468325276, ClinGen allele CA348397935.

ClinVar aggregate classification (germline): Uncertain significance (1 of 4 stars; one submission).

Conditions:
Thrombophilia due to protein C deficiency, autosomal dominant. Also called: PROC DEFICIENCY, AUTOSOMAL DOMINANT; PROTEIN C DEFICIENCY, AUTOSOMAL DOMINANT. Identifiers: Orphanet 745, MedGen C2674321, MONDO:0008316, OMIM 176860. Disease mechanism: loss of function.

Submission:

Labcorp Genetics (formerly Invitae), Labcorp
Classification: Uncertain significance for Thrombophilia due to protein C deficiency, autosomal dominant. Last evaluated: 2022-04-11. Review status: criteria provided, single submitter. Criteria: Invitae Variant Classification Sherloc (09022015). Collection method: clinical testing. Allele origin: germline.
Comment: This sequence change replaces leucine, which is neutral and non-polar, with proline, which is neutral and non-polar, at codon 55 of the PROC protein (p.Leu55Pro). In summary, the available evidence is currently insufficient to determine the role of this variant in disease. Therefore, it has been classified as a Variant of Uncertain Significance. Algorithms developed to predict the effect of missense changes on protein structure and function are either unavailable or do not agree on the potential impact of this missense change (SIFT: "Deleterious"; PolyPhen-2: "Probably Damaging"; Align-GVGD: "Class C0"). This variant is also known as Leu13Pro. This missense change has been observed in individual(s) with protein C deficiency (PMID: 8972002, 30632992). This variant is not present in population databases (gnomAD no frequency).

Literature cited by the submitters: PubMed 8972002; PubMed 30632992.